The following is an entry in ClinVar:

NM_138694.4(PKHD1):c.10384A>G (p.Ile3462Val)

Gene: PKHD1 (PKHD1 ciliary IPT domain containing fibrocystin/polyductin; minus strand). Cytogenetic location: 6p12.3.
Variant type: single nucleotide variant.
Coding change: c.10384A>G on transcript NM_138694.4 (MANE Select); coding-DNA position 10384, A replaced by G.
Protein change: p.Ile3462Val; replaces isoleucine 3462 with valine.
Molecular consequence: missense variant.
Genome position (GRCh38, 1-based): chr6:51,659,742, T>C on the plus strand (A>G on the coding strand, the complement: PKHD1 is on the minus strand). VCF-style: chr6-51659742-T-C. GRCh37 (hg19) VCF-style: chr6-51524540-T-C.
Other names: short protein forms I3462V.
Identifiers: ClinVar variation 496513 (VCV000496513.7), dbSNP rs139742511, ClinGen allele CA3851091.
Genomic context (GRCh38, chr6:51,659,742, plus strand): 5'-GCAAAACTTGAGGAGTTTGATCCATGAAGCAGACTTTGGTGATTTGCCTGATGGGTAAGA[T>C]AGAATAGAAAGTAGACACTGACCCAGAAGTAGAGCAGGGAATATTGGCATTTACACTGCT-3'
Protein context (NP_619639.3, residues 3452-3472): TSGSVSTFYS[Ile3462Val]LPIRQITKVC

ClinVar aggregate classification (germline): Uncertain significance. Review status: criteria provided, multiple submitters, no conflicts (2 of 4 stars). 4 submissions from 4 submitters: Uncertain significance (3). 1 of the submissions does not count toward it. Last evaluated 2024-03-07.

Conditions:
Polycystic kidney disease 4 (PKD4). Also called: POLYCYSTIC KIDNEY AND HEPATIC DISEASE 1; POLYCYSTIC KIDNEY DISEASE, INFANTILE, TYPE I; PKD3; Autosomal Recessive Polycystic Kidney Disease – PKHD1; POLYCYSTIC KIDNEY DISEASE 4 WITH OR WITHOUT POLYCYSTIC LIVER DISEASE. Identifiers: MedGen C4540575, MONDO:0033004, OMIM 263200.
Autosomal recessive polycystic kidney disease (ARPKD). Also called: AR polycystic kidney disease. Identifiers: Orphanet 731, Orphanet 8378, MedGen C0085548, MeSH D017044, MONDO:0009889.

Allele frequency attached by ClinVar (database versions not stated): ExAC 0.00004; gnomAD exomes 0.00005; TOPMed 0.00008; gnomAD 0.00009 and 0.00010; 1000 Genomes Project 0.00020; 1000 Genomes Project 30x 0.00031; ESP Exome Variant Server 0.00031.
gnomAD v4.1: 81 of 1,613,704 alleles (0.005%); highest among the groups gnomAD compares: African/African-American, 0.015%; no homozygotes.

Submissions (4):

Fulgent Genetics
Classification: Uncertain significance for Polycystic kidney disease 4. Last evaluated: 2024-03-07. Review status: criteria provided, single submitter. Criteria: ACMG Guidelines, 2015. Collection method: clinical testing. Allele origin: germline.

Labcorp Genetics (formerly Invitae), Labcorp
Classification: Uncertain significance for Autosomal recessive polycystic kidney disease. Last evaluated: 2021-11-27. Review status: criteria provided, single submitter. Criteria: Invitae Variant Classification Sherloc (09022015). Collection method: clinical testing. Allele origin: germline.
Comment: This sequence change replaces isoleucine, which is neutral and non-polar, with valine, which is neutral and non-polar, at codon 3462 of the PKHD1 protein (p.Ile3462Val). This variant is present in population databases (rs139742511, gnomAD 0.02%). This variant has not been reported in the literature in individuals affected with PKHD1-related conditions. ClinVar contains an entry for this variant (Variation ID: 496513). Advanced modeling of protein sequence and biophysical properties (such as structural, functional, and spatial information, amino acid conservation, physicochemical variation, residue mobility, and thermodynamic stability) performed at Invitae indicates that this missense variant is not expected to disrupt PKHD1 protein function. In summary, the available evidence is currently insufficient to determine the role of this variant in disease. Therefore, it has been classified as a Variant of Uncertain Significance.

Women's Health and Genetics/Laboratory Corporation of America, LabCorp
Classification: Uncertain significance. Last evaluated: 2017-08-10. Review status: criteria provided, single submitter. Criteria: LabCorp Variant Classification Summary - May 2015. Collection method: clinical testing. Allele origin: germline.
Comment: Variant summary: The PKHD1 c.10384A>G (p.Ile3462Val) variant involves the alteration of a non-conserved nucleotide. 4/4 in silico tools predict a benign outcome for this variant (SNPsandGO not captured due to non-functioning tool). This variant was found in the large control database ExAC at a frequency of 0.0000413 (5/121142 control chromosomes), which does not exceed the estimated maximal expected allele frequency of a pathogenic PKHD1 variant (0.0070711). The variant of interest has not, to our knowledge, been reported in affected individuals via publications and/or reputable databases/clinical diagnostic laboratories; nor evaluated for functional impact by in vivo/vitro studies. Because of the absence of clinical information and the lack of functional studies, the variant is classified as a variant of uncertain significance (VUS) until additional information becomes available.

Natera, Inc.
Classification: Uncertain significance for Autosomal recessive polycystic kidney disease. Last evaluated: 2017-08-15. Review status: no assertion criteria provided. Collection method: clinical testing. Allele origin: germline. Not counted in ClinVar's aggregate classification.